The following is an entry in ClinVar:

ClinVar aggregate classification (germline): Uncertain significance (1 of 4 stars; one submission).

Allele frequency attached by ClinVar (database versions not stated): gnomAD exomes below 0.00001.
gnomAD v4.1: 2 of 1,161,043 alleles (0.00017%); highest among the groups gnomAD compares: Non-Finnish European, 0.00023%; no homozygotes.

Submission:

Labcorp Genetics (formerly Invitae), Labcorp
Classification: Uncertain significance. Last evaluated: 2021-07-30. Review status: criteria provided, single submitter. Criteria: Invitae Variant Classification Sherloc (09022015). Collection method: clinical testing. Allele origin: germline.
Comment: This sequence change replaces proline with leucine at codon 689 of the COL4A5 protein (p.Pro689Leu). The proline residue is highly conserved and there is a moderate physicochemical difference between proline and leucine. This variant is not present in population databases (ExAC no frequency). This variant has not been reported in the literature in individuals affected with COL4A5-related conditions. Advanced modeling of protein sequence and biophysical properties (such as structural, functional, and spatial information, amino acid conservation, physicochemical variation, residue mobility, and thermodynamic stability) performed at Invitae indicates that this missense variant is not expected to disrupt COL4A5 protein function. In summary, the available evidence is currently insufficient to determine the role of this variant in disease. Therefore, it has been classified as a Variant of Uncertain Significance.

NM_033380.3(COL4A5):c.2066C>T (p.Pro689Leu)

Gene: COL4A5 (collagen type IV alpha 5 chain; plus strand). Cytogenetic location: Xq22.3.
Variant type: single nucleotide variant.
Coding change: c.2066C>T on transcript NM_033380.3 (MANE Select); coding-DNA position 2066, C replaced by T.
Protein change: p.Pro689Leu; replaces proline 689 with leucine.
Molecular consequence: missense variant.
Genome position (GRCh38, 1-based): chrX:108,601,909, C>T. VCF-style: chrX-108601909-C-T. GRCh37 (hg19) VCF-style: chrX-107845139-C-T.
Other names: c.2066C>T, p.Pro689Leu (NM_000495.5); short protein forms P689L.
Identifiers: ClinVar variation 1962593 (VCV001962593.2), dbSNP rs2524328405, ClinGen allele CA413846943.